The following is an entry in ClinVar:

ClinVar aggregate classification (germline): Uncertain significance (1 of 4 stars; one submission).

Conditions:
Microcephaly, normal intelligence and immunodeficiency (NBS). Also called: Nijmegen breakage syndrome; Immunodeficiency, microcephaly with normal intelligence; SEEMANOVA SYNDROME II; Microcephaly with normal intelligence immunodeficiency and lymphoreticular malignancies; Nonsyndromal microcephaly autosomal recessive with normal intelligence; Seemanova syndrome 2. Identifiers: Orphanet 647, MedGen C0398791, MONDO:0009623, OMIM 251260.

Submission:

Labcorp Genetics (formerly Invitae), Labcorp
Classification: Uncertain significance for Microcephaly, normal intelligence and immunodeficiency. Last evaluated: 2022-09-21. Review status: criteria provided, single submitter. Criteria: Invitae Variant Classification Sherloc (09022015). Collection method: clinical testing. Allele origin: germline.
Comment: Information on the frequency of this variant in the gnomAD database is not available, as this variant may be reported differently in the database. In summary, the available evidence is currently insufficient to determine the role of this variant in disease. Therefore, it has been classified as a Variant of Uncertain Significance. Experimental studies and prediction algorithms are not available or were not evaluated, and the functional significance of this variant is currently unknown. ClinVar contains an entry for this variant (Variation ID: 565895). This variant has not been reported in the literature in individuals affected with NBN-related conditions. This sequence change replaces alanine, which is neutral and non-polar, with serine, which is neutral and polar, at codon 400 of the NBN protein (p.Ala400Ser).

NM_002485.5(NBN):c.1197_1198delinsCT (p.Ala400Ser)

Gene: NBN (nibrin; minus strand). Cytogenetic location: 8q21.3.
Variant type: Indel.
Coding change: c.1197_1198delinsCT on transcript NM_002485.5 (MANE Select); coding-DNA positions 1197 to 1198, TG replaced by CT.
Protein change: p.Ala400Ser; replaces alanine 400 with serine.
Molecular consequence: missense variant.
Genome position (GRCh38, 1-based): chr8:89,955,482-89,955,483, CA replaced by AG on the plus strand (TG replaced by CT on the coding strand, the reverse complement: NBN is on the minus strand). VCF-style: chr8-89955482-CA-AG. GRCh37 (hg19) VCF-style: chr8-90967710-CA-AG.
Other names: c.951_952delinsCT, p.Ala318Ser (NM_001024688.3); c.1197_1198delTGinsCT (NM_002485.4); short protein forms A400S, A318S.
Identifiers: ClinVar variation 565895 (VCV000565895.8), dbSNP rs1064795318, ClinGen allele CA891842844.